The following is an entry in ClinVar:

ClinVar aggregate classification (germline): Uncertain significance. Review status: criteria provided, multiple submitters, no conflicts (2 of 4 stars). 2 submissions from 2 submitters: Uncertain significance (2). Last evaluated 2025-01-02.

Conditions:
Cardiovascular phenotype. Identifiers: MedGen CN230736.
Alstrom syndrome (ALMS). Identifiers: Orphanet 64, MedGen C0268425, MONDO:0008763, OMIM 203800.

Allele frequency attached by ClinVar (database versions not stated): TOPMed below 0.00001; ExAC 0.00001; gnomAD 0.00001.
gnomAD v4.1: 11 of 1,612,762 alleles (0.00068%); highest among the groups gnomAD compares: Admixed American, 0.005%; 1 homozygote.

Submissions (2):

Labcorp Genetics (formerly Invitae), Labcorp
Classification: Uncertain significance for Alstrom syndrome. Last evaluated: 2025-01-02. Review status: criteria provided, single submitter. Criteria: Invitae Variant Classification Sherloc (09022015). Collection method: clinical testing. Allele origin: germline.
Comment: This sequence change replaces threonine, which is neutral and polar, with asparagine, which is neutral and polar, at codon 1568 of the ALMS1 protein (p.Thr1568Asn). This variant is present in population databases (rs754172149, gnomAD 0.004%). This variant has not been reported in the literature in individuals affected with ALMS1-related conditions. ClinVar contains an entry for this variant (Variation ID: 1742564). Experimental studies and prediction algorithms are not available or were not evaluated, and the functional significance of this variant is currently unknown. In summary, the available evidence is currently insufficient to determine the role of this variant in disease. Therefore, it has been classified as a Variant of Uncertain Significance.

Ambry Genetics
Classification: Uncertain significance for Cardiovascular phenotype. Last evaluated: 2019-08-21. Review status: criteria provided, single submitter. Criteria: Ambry Variant Classification Scheme 2023. Collection method: clinical testing. Allele origin: germline.
Comment: The p.T1568N variant (also known as c.4703C>A), located in coding exon 8 of the ALMS1 gene, results from a C to A substitution at nucleotide position 4703. The threonine at codon 1568 is replaced by asparagine, an amino acid with similar properties. This amino acid position is poorly conserved in available vertebrate species. In addition, this alteration is predicted to be tolerated by in silico analysis. Since supporting evidence is limited at this time, the clinical significance of this alteration remains unclear.

NM_001378454.1(ALMS1):c.4700C>A (p.Thr1567Asn)

Gene: ALMS1 (ALMS1 centrosome and basal body associated protein; plus strand). Cytogenetic location: 2p13.1.
Variant type: single nucleotide variant.
Coding change: c.4700C>A on transcript NM_001378454.1 (MANE Select); coding-DNA position 4700, C replaced by A.
Protein change: p.Thr1567Asn; replaces threonine 1567 with asparagine.
Molecular consequence: missense variant.
Genome position (GRCh38, 1-based): chr2:73,451,227, C>A. VCF-style: chr2-73451227-C-A. GRCh37 (hg19) VCF-style: chr2-73678354-C-A.
Other names: c.4703C>A, p.Thr1568Asn (NM_015120.4); short protein forms T1567N, T1568N.
Identifiers: ClinVar variation 1742564 (VCV001742564.5), dbSNP rs754172149, ClinGen allele CA1713748.